The following is an entry in ClinVar:

ClinVar aggregate classification (germline): Pathogenic. Review status: criteria provided, single submitter (1 of 4 stars). 3 submissions from 3 submitters: Pathogenic (1). 2 of the submissions do not count toward it. Last evaluated 2023-10-23.

Conditions:
CP-related disorder. Also called: CP-related condition.
Deficiency of ferroxidase (ACEP). Also called: Aceruloplasminemia; Ceruloplasmin deficiency; Familial apoceruloplasmin deficiency; Hereditary ceruloplasmin deficiency; NEURODEGENERATION WITH BRAIN IRON ACCUMULATION 10; Deficiency of ceruloplasmin. Identifiers: Orphanet 48818, MedGen C0878682, MONDO:0011426, OMIM 604290, HP:0025498.

Allele frequency attached by ClinVar (database versions not stated): gnomAD exomes below 0.00001; ExAC 0.00001.

Submissions (3):

Labcorp Genetics (formerly Invitae), Labcorp
Classification: Pathogenic for Deficiency of ferroxidase. Last evaluated: 2023-10-23. Review status: criteria provided, single submitter. Criteria: Invitae Variant Classification Sherloc (09022015). Collection method: clinical testing. Allele origin: germline.
Comment: This sequence change creates a premature translational stop signal (p.Leu905*) in the CP gene. It is expected to result in an absent or disrupted protein product. Loss-of-function variants in CP are known to be pathogenic (PMID: 16629161). This variant is present in population databases (rs762368526, gnomAD 0.003%). This variant has not been reported in the literature in individuals affected with CP-related conditions. For these reasons, this variant has been classified as Pathogenic.

PreventionGenetics, part of Exact Sciences
Classification: Pathogenic for CP-related condition. Last evaluated: 2024-04-10. Review status: no assertion criteria provided. Collection method: clinical testing. Allele origin: germline. Not counted in ClinVar's aggregate classification.
Comment: The CP c.2712delC variant is predicted to result in premature protein termination (p.Leu905*). To our knowledge, this variant has not been reported in the literature. This variant is reported in just one allele of ~251,000 in gnomAD, indicating it is rare. Premature termination variants in CP are expected to be pathogenic, and nearby examples have been associated with disease (p.Arg901*, Takeuchi et al. 2002. PubMed ID: 11909923). Taken together, this variant is interpreted as pathogenic.

Edmond J. Safra Program in Parkinson's Disease, the Rossy Progressive Supranuclear Palsy Centre, and the Morton and Gloria Shulman Movement Disorders Clinic, University Health Network-Toronto Western Hospital
Classification: Pathogenic for Deficiency of ferroxidase. Review status: no assertion criteria provided. Collection method: clinical testing. Allele origin: de novo. Inheritance: Autosomal recessive inheritance. Affected: yes. Not counted in ClinVar's aggregate classification.

Literature cited by the submitters: PubMed 16629161 (cited by Labcorp Genetics (formerly Invitae), Labcorp and Edmond J. Safra Program in Parkinson's Disease, the Rossy Progressive Supranuclear Palsy Centre, and the Morton and Gloria Shulman Movement Disorders Clinic, University Health Network-Toronto Western Hospital); PubMed 40513045 (cited by Edmond J. Safra Program in Parkinson's Disease, the Rossy Progressive Supranuclear Palsy Centre, and the Morton and Gloria Shulman Movement Disorders Clinic, University Health Network-Toronto Western Hospital).

NM_000096.4(CP):c.2712del (p.Tyr904_Leu905insTer)

Gene: CP (ceruloplasmin; minus strand). Cytogenetic location: 3q24.
Variant type: Deletion.
Coding change: c.2712del on transcript NM_000096.4 (MANE Select); coding-DNA position 2712, one base deleted (C; older notation c.2712delC).
Protein change: p.Tyr904_Leu905insTer.
Molecular consequence: frameshift variant. On other transcripts: non-coding transcript variant (1).
Genome position (GRCh38, 1-based): chr3:149,178,581, G deleted on the plus strand (C on the coding strand, the reverse complement: CP is on the minus strand). VCF-style (leftmost placement, unchanged base first): chr3-149178580-AG-A. GRCh37 (hg19) VCF-style: chr3-148896367-AG-A.
Other names: p.(Leu905Ter); c.2712delC (NM_000096.3).
Identifiers: ClinVar variation 3020469 (VCV003020469.5), dbSNP rs762368526, ClinGen allele CA2660642.